The following is an entry in ClinVar:

NM_004415.4(DSP):c.5692G>C (p.Glu1898Gln)

Gene: DSP (desmoplakin; plus strand). Cytogenetic location: 6p24.3.
Variant type: single nucleotide variant.
Coding change: c.5692G>C on transcript NM_004415.4 (MANE Select); coding-DNA position 5692, G replaced by C.
Protein change: p.Glu1898Gln; replaces glutamic acid 1898 with glutamine.
Molecular consequence: missense variant.
Genome position (GRCh38, 1-based): chr6:7,582,954, G>C. VCF-style: chr6-7582954-G-C. GRCh37 (hg19) VCF-style: chr6-7583187-G-C.
Other names: c.3895G>C, p.Glu1299Gln (NM_001008844.3); c.4363G>C, p.Glu1455Gln (NM_001319034.2); short protein forms E1299Q, E1455Q, E1898Q.
Identifiers: ClinVar variation 3071807 (VCV003071807.5), dbSNP rs1759492368, ClinGen allele CA362689201.
Genomic context (GRCh38, chr6:7,582,954, plus strand): 5'-ATTAGGAAGATAGAATCGGAAAGAGAAAAGAGTGAGAGAGAGAAGAACAGTCTTAGGAGT[G>C]AGATCGAAAGACTCCAAGCAGAGATCAAGAGAATTGAAGAGAGGTGCAGGCGTAAGCTGG-3'
Protein context (NP_004406.2, residues 1888-1908): SEREKNSLRS[Glu1898Gln]IERLQAEIKR

ClinVar aggregate classification (germline): Uncertain significance. Review status: criteria provided, multiple submitters, no conflicts (2 of 4 stars). 4 submissions from 4 submitters: Uncertain significance (4). Last evaluated 2026-03-12.

Conditions:
Cardiomyopathy (CMYO). Also called: Cardiomyopathies. Identifiers: Orphanet 167848, MedGen C0878544, MONDO:0004994, HP:0001638. Inheritance: Various modes of inheritance.
Arrhythmogenic right ventricular dysplasia 8 (ARVD8). Also called: Arrhythmogenic Right Ventricular Dysplasia/Cardiomyopathy 8; ARRHYTHMOGENIC RIGHT VENTRICULAR DYSPLASIA, FAMILIAL, 8; ARRHYTHMOGENIC RIGHT VENTRICULAR CARDIOMYOPATHY 8. Identifiers: MedGen C1843896, MONDO:0011831, OMIM 607450.
Arrhythmogenic cardiomyopathy with wooly hair and keratoderma. Also called: Arrhythmogenic cardiomyopathy with woolly hair and keratoderma; PALMOPLANTAR KERATODERMA WITH LEFT VENTRICULAR CARDIOMYOPATHY AND WOOLLY HAIR; Dilated cardiomyopathy with woolly hair and keratoderma; Carvajal syndrome. Identifiers: Orphanet 65282, MedGen C1854063, MONDO:0011581, OMIM 605676.

gnomAD v4.1: 3 of 1,614,098 alleles (0.00019%); highest among the groups gnomAD compares: Non-Finnish European, 0.00017%; no homozygotes.

Submissions (4):

GeneDx
Classification: Uncertain significance. Last evaluated: 2026-03-12. Review status: criteria provided, single submitter. Criteria: GeneDx Variant Classification Process June 2021. Collection method: clinical testing. Allele origin: germline.
Comment: In silico analysis suggests that this missense variant does not alter protein structure/function; Not observed at significant frequency in large population cohorts (gnomAD); This variant is associated with the following publications: (PMID: 29032884)

Labcorp Genetics (formerly Invitae), Labcorp
Classification: Uncertain significance for Arrhythmogenic cardiomyopathy with wooly hair and keratoderma; Arrhythmogenic right ventricular dysplasia 8. Last evaluated: 2024-09-03. Review status: criteria provided, single submitter. Criteria: Invitae Variant Classification Sherloc (09022015). Collection method: clinical testing. Allele origin: germline.
Comment: This sequence change replaces glutamic acid, which is acidic and polar, with glutamine, which is neutral and polar, at codon 1898 of the DSP protein (p.Glu1898Gln). This variant is not present in population databases (gnomAD no frequency). This missense change has been observed in individual(s) with idiopathic ventricular fibrillation (PMID: 29032884). An algorithm developed to predict the effect of missense changes on protein structure and function (PolyPhen-2) suggests that this variant is likely to be disruptive. In summary, the available evidence is currently insufficient to determine the role of this variant in disease. Therefore, it has been classified as a Variant of Uncertain Significance.

Color Diagnostics, LLC DBA Color Health
Classification: Uncertain significance for Cardiomyopathy. Last evaluated: 2024-06-03. Review status: criteria provided, single submitter. Criteria: ACMG Guidelines, 2015. Collection method: clinical testing. Allele origin: germline.
Comment: This missense variant replaces glutamic acid with glutamine at codon 1898 of the DSP protein. Computational prediction suggests that this variant may not impact protein structure and function (internally defined REVEL score threshold <= 0.5, PMID: 27666373). To our knowledge, functional studies have not been reported for this variant. This variant has been reported in an individual who experienced an idiopathic ventricular fibrillation event (PMID: 29032884). This variant has not been identified in the general population by the Genome Aggregation Database (gnomAD). The available evidence is insufficient to determine the role of this variant in disease conclusively. Therefore, this variant is classified as a Variant of Uncertain Significance.

All of Us Research Program, National Institutes of Health
Classification: Uncertain significance for Arrhythmogenic cardiomyopathy with wooly hair and keratoderma. Last evaluated: 2023-06-26. Review status: criteria provided, single submitter. Criteria: ACMG Guidelines, 2015. Collection method: clinical testing. Allele origin: germline. Inheritance: Autosomal dominant inheritance. Observed: 1 variant allele, 1 heterozygote.
Comment: This missense variant replaces glutamic acid with glutamine at codon 1898 of the DSP protein. Computational prediction suggests that this variant may not impact protein structure and function (internally defined REVEL score threshold <= 0.5, PMID: 27666373). To our knowledge, functional studies have not been reported for this variant. This variant has been reported in an individual who experienced an idiopathic ventricular fibrillation event (PMID: 29032884). This variant has not been identified in the general population by the Genome Aggregation Database (gnomAD). The available evidence is insufficient to determine the role of this variant in disease conclusively. Therefore, this variant is classified as a Variant of Uncertain Significance.

This study involves interpretation of variants in research participants for the purpose of population health screening. Participant phenotype was not available at the time of variant classification. Additional details can be found in publication PMID: 35346344, PMCID: PMC8962531

Literature cited by the submitters: PubMed 29032884 (cited by 3 submitters).